The following is an entry in ClinVar:

NM_001042492.3(NF1):c.7310C>G (p.Ala2437Gly)

Gene: NF1 (neurofibromin 1; plus strand). Cytogenetic location: 17q11.2.
Variant type: single nucleotide variant.
Coding change: c.7310C>G on transcript NM_001042492.3 (MANE Select); coding-DNA position 7310, C replaced by G.
Protein change: p.Ala2437Gly; replaces alanine 2437 with glycine.
Molecular consequence: missense variant.
Genome position (GRCh38, 1-based): chr17:31,349,240, C>G. VCF-style: chr17-31349240-C-G. GRCh37 (hg19) VCF-style: chr17-29676258-C-G.
Other names: c.7247C>G, p.Ala2416Gly (NM_000267.4); short protein forms A2437G, A2416G.
Identifiers: ClinVar variation 4119143 (VCV004119143.1).

ClinVar aggregate classification (germline): Uncertain significance (1 of 4 stars; one submission).

Conditions:
Cardiovascular phenotype. Identifiers: MedGen CN230736.
Hereditary cancer-predisposing syndrome. Also called: Hereditary neoplastic syndrome; Neoplastic Syndromes, Hereditary; Tumor predisposition; Hereditary Cancer Syndrome. Identifiers: Orphanet 140162, MedGen C0027672, MeSH D009386, MONDO:0015356.

Submission:

Ambry Genetics
Classification: Uncertain significance for Cardiovascular phenotype; Hereditary cancer-predisposing syndrome. Last evaluated: 2025-08-15. Review status: criteria provided, single submitter. Criteria: Ambry Variant Classification Scheme 2023. Collection method: clinical testing. Allele origin: germline.
Comment: The p.A2416G variant (also known as c.7247C>G), located in coding exon 48 of the NF1 gene, results from a C to G substitution at nucleotide position 7247. The alanine at codon 2416 is replaced by glycine, an amino acid with similar properties. This amino acid position is conserved. In addition, this alteration is predicted to be tolerated by in silico analysis. Based on the available evidence, the clinical significance of this variant remains unclear.